The following is an entry in ClinVar:

ClinVar aggregate classification (germline): Conflicting classifications of pathogenicity. Review status: criteria provided, conflicting classifications (1 of 4 stars). 2 submissions from 2 submitters: Uncertain significance (1); Likely benign (1). Last evaluated 2025-10-10.

Conditions:
BBS10-related disorder. Also called: BBS10-related condition.
Bardet-Biedl syndrome (BBS). Identifiers: Orphanet 110, MedGen C0752166, MONDO:0015229.

Submissions (2):

PreventionGenetics, part of Exact Sciences
Classification: Uncertain significance for BBS10-related condition. Last evaluated: 2025-10-10. Review status: criteria provided, single submitter. Criteria: ACMG Guidelines, 2015. Collection method: clinical testing. Allele origin: germline.
Comment: The BBS10 c.198-9T>G variant is predicted to interfere with splicing. To our knowledge, this variant has not been reported in the literature or in a large population database (gnomAD), indicating this variant is rare. This variant is predicted to alter splicing based on available splicing prediction programs (SpliceAI, Jaganathan et al. 2019. PubMed ID: 30661751). However, the use of computer prediction programs is not equivalent to functional evidence. At this time, the clinical significance of this variant is uncertain due to the absence of conclusive functional and genetic evidence.

Labcorp Genetics (formerly Invitae), Labcorp
Classification: Likely benign for Bardet-Biedl syndrome. Last evaluated: 2024-01-31. Review status: criteria provided, single submitter. Criteria: Invitae Variant Classification Sherloc (09022015). Collection method: clinical testing. Allele origin: germline.

NM_024685.4(BBS10):c.198-9T>G

Gene: BBS10 (Bardet-Biedl syndrome 10; minus strand). Cytogenetic location: 12q21.2.
Variant type: single nucleotide variant.
Coding change: c.198-9T>G on transcript NM_024685.4 (MANE Select); 9 bases into the intron before coding-DNA position 198, T replaced by G.
Molecular consequence: intron variant.
Genome position (GRCh38, 1-based): chr12:76,347,796, A>C on the plus strand (T>G on the coding strand, the complement: BBS10 is on the minus strand). VCF-style: chr12-76347796-A-C. GRCh37 (hg19) VCF-style: chr12-76741576-A-C.
Other names: c.198-9T>G (NM_024685.3).
Identifiers: ClinVar variation 1132100 (VCV001132100.10), dbSNP rs2136091348, ClinGen allele CA2499221850.
Genomic context (GRCh38, chr12:76,347,796, plus strand): 5'-TGCACCATCTCCTGTTTTTTTGAGATGACTGGAAACACAGTCCACTATCATCCTGTACAA[A>C]AAAGAAATAAAGCAACTCATTTTCAGAAGGCTGGCTTCCCACATCTTAAAACCATGTTTA-3'